The following is an entry in ClinVar:

NM_000022.4(ADA):c.659C>T (p.Ser220Leu)

Gene: ADA (adenosine deaminase; minus strand). Cytogenetic location: 20q13.12.
Variant type: single nucleotide variant.
Coding change: c.659C>T on transcript NM_000022.4 (MANE Select); coding-DNA position 659, C replaced by T.
Protein change: p.Ser220Leu; replaces serine 220 with leucine.
Molecular consequence: missense variant. On other transcripts: non-coding transcript variant (1), intron variant (1).
Genome position (GRCh38, 1-based): chr20:44,623,026, G>A on the plus strand (C>T on the coding strand, the complement: ADA is on the minus strand). VCF-style: chr20-44623026-G-A. GRCh37 (hg19) VCF-style: chr20-43251667-G-A.
Other names: c.254C>T, p.Ser85Leu (NM_001322050.2); c.607-96C>T (NM_001322051.2); short protein forms S85L, S220L.
Identifiers: ClinVar variation 851007 (VCV000851007.10), dbSNP rs747167602, ClinGen allele CA9871574.
Genomic context (GRCh38, chr20:44,623,026, plus strand): 5'-AGGCAGTGAGGAGGGACCCCATGGCCAGCCCAGGCCCTCACCTCTTTTACTACTTCGGCC[G>A]AGCCCACCTCCCCGGCGTGGACAGTACGGTGAATGCCGCTCTTCACAGCCTCCTGGAAGG-3'
Protein context (NP_000013.2, residues 210-230): HRTVHAGEVG[Ser220Leu]AEVVKEAVDI

ClinVar aggregate classification (germline): Uncertain significance. Review status: criteria provided, multiple submitters, no conflicts (2 of 4 stars). 3 submissions from 3 submitters: Uncertain significance (2). 1 of the submissions does not count toward it. Last evaluated 2024-12-04.

Conditions:
Severe combined immunodeficiency, autosomal recessive, T cell-negative, B cell-negative, NK cell-negative, due to adenosine deaminase deficiency. Also called: Adenosine Deaminase Deficiency; SCID DUE TO ADA DEFICIENCY; SCID DUE TO ADA DEFICIENCY, EARLY-ONSET; ADA-SCID; ADA deficiency; Adenosine deaminase deficient severe combined immunodeficiency. Identifiers: Orphanet 277, MedGen C0392607, MONDO:0007064, OMIM 102700.

Allele frequency attached by ClinVar (database versions not stated): gnomAD below 0.00001 and 0.00001; ExAC 0.00001; gnomAD exomes 0.00001 and 0.00002; TOPMed 0.00004.
gnomAD v4.1: 23 of 1,614,030 alleles (0.0014%); highest among the groups gnomAD compares: East Asian, 0.0067%; no homozygotes.

Submissions (3):

Labcorp Genetics (formerly Invitae), Labcorp
Classification: Uncertain significance for Severe combined immunodeficiency, autosomal recessive, T cell-negative, B cell-negative, NK cell-negative, due to adenosine deaminase deficiency. Last evaluated: 2024-12-04. Review status: criteria provided, single submitter. Criteria: Invitae Variant Classification Sherloc (09022015). Collection method: clinical testing. Allele origin: germline.
Comment: This sequence change replaces serine, which is neutral and polar, with leucine, which is neutral and non-polar, at codon 220 of the ADA protein (p.Ser220Leu). This variant is present in population databases (rs747167602, gnomAD 0.006%). This variant has not been reported in the literature in individuals affected with ADA-related conditions. ClinVar contains an entry for this variant (Variation ID: 851007). Invitae Evidence Modeling of protein sequence and biophysical properties (such as structural, functional, and spatial information, amino acid conservation, physicochemical variation, residue mobility, and thermodynamic stability) indicates that this missense variant is not expected to disrupt ADA protein function with a negative predictive value of 80%. In summary, the available evidence is currently insufficient to determine the role of this variant in disease. Therefore, it has been classified as a Variant of Uncertain Significance.

Blueprint Genetics
Classification: Uncertain significance. Last evaluated: 2022-07-04. Review status: criteria provided, single submitter. Criteria: ACMG Guidelines, 2015. Collection method: clinical testing. Allele origin: germline.

Natera, Inc.
Classification: Uncertain significance for Severe combined immunodeficiency due to ADA deficiency. Last evaluated: 2020-12-31. Review status: no assertion criteria provided. Collection method: clinical testing. Allele origin: germline. Not counted in ClinVar's aggregate classification.